The following is an entry in ClinVar:

ClinVar aggregate classification (germline): Uncertain significance (1 of 4 stars; one submission).

Submission:

Genetic Services Laboratory, University of Chicago
Classification: Uncertain significance. Last evaluated: 2024-10-14. Review status: criteria provided, single submitter. Criteria: ACMG Guidelines, 2015. Collection method: clinical testing. Allele origin: germline. Affected: no.
Comment: DNA sequence analysis of the TERT gene demonstrated a deletion and insertion of two base pairs in exon 2, c.1373_1374delinsTT. This in-frame deletion/insertion is predicted to result in a missense change, p.Pro458Leu. This sequence change does not appear to have been previously described in individuals with TERT-related disorders and has also not been described in population databases such as ExAC and gnomAD. The p.Pro458Leu change affects a poorly conserved amino acid residue located in a domain of the TERT protein that is not known to be functional. The p.Pro458Leu substitution appears to be benign using several in-silico pathogenicity prediction tools (SIFT, PolyPhen2, Align GVGD). Due to insufficient evidences and the lack of functional studies, the clinical significance of the p.Pro458Leu change remains unknown at this time.

NM_198253.3(TERT):c.1373_1374delinsTT (p.Pro458Leu)

Gene: TERT (telomerase reverse transcriptase; minus strand). Cytogenetic location: 5p15.33.
Variant type: Indel.
Coding change: c.1373_1374delinsTT on transcript NM_198253.3 (MANE Select); coding-DNA positions 1373 to 1374, CC replaced by TT.
Protein change: p.Pro458Leu; replaces proline 458 with leucine.
Molecular consequence: missense variant. On other transcripts: non-coding transcript variant (2).
Genome position (GRCh38, 1-based): chr5:1,293,512-1,293,513, GG replaced by AA on the plus strand (CC replaced by TT on the coding strand, the reverse complement: TERT is on the minus strand). VCF-style: chr5-1293512-GG-AA. GRCh37 (hg19) VCF-style: chr5-1293627-GG-AA.
Other names: c.1373_1374delinsTT, p.Pro458Leu (NM_001193376.3); c.1373_1374delCCinsTT, p.Pro458Leu (NM_198253.2); short protein forms P458L.
Identifiers: ClinVar variation 4082525 (VCV004082525.2).
Genomic context (GRCh38, chr5:1,293,512, plus strand): 5'-CCAGAGGCCTGGGGGCACCAGCCGGCGCAGGCAGGCCCGCACGAAGCCGTACACCTGCCA[GG>AA]GGCTGCTGTGCTGGCGGAGCAGCTGCACCAGGCGACGGGGGTCTGTGTCCTCCTCCTCGG-3'
Protein context (NP_937983.2, residues 448-468): LVQLLRQHSS[Pro458Leu]WQVYGFVRAC